The following is an entry in ClinVar:

NM_014712.3(SETD1A):c.2626G>T (p.Glu876Ter)

Gene: SETD1A (SET domain containing 1A, histone lysine methyltransferase; plus strand). Cytogenetic location: 16p11.2.
Variant type: single nucleotide variant.
Coding change: c.2626G>T on transcript NM_014712.3 (MANE Select); coding-DNA position 2626, G replaced by T.
Protein change: p.Glu876Ter; replaces glutamic acid 876 with a stop codon.
Molecular consequence: nonsense.
Genome position (GRCh38, 1-based): chr16:30,967,004, G>T. VCF-style: chr16-30967004-G-T. GRCh37 (hg19) VCF-style: chr16-30978325-G-T.
Other names: short protein forms E876*.
Identifiers: ClinVar variation 5029411 (VCV005029411.1).

ClinVar aggregate classification (germline): Pathogenic (1 of 4 stars; one submission).

Conditions:
Inborn genetic diseases. Identifiers: MedGen C0950123, MeSH D030342.

Submission:

Ambry Genetics
Classification: Pathogenic for Inborn genetic diseases. Last evaluated: 2026-06-30. Review status: criteria provided, single submitter. Criteria: Ambry Variant Classification Scheme 2023. Collection method: clinical testing. Allele origin: germline.
Comment: The c.2626G>T (p.E876*) alteration, located in exon 9 (coding exon 8) of the SETD1A gene, consists of a G to T substitution at nucleotide position 2626. This changes the amino acid from a glutamic acid (E) to a stop codon at amino acid position 876. This variant is expected to result in loss of function by premature protein truncation or nonsense-mediated mRNA decay. This variant was not reported in population-based cohorts in the Genome Aggregation Database (gnomAD). Based on the available evidence, this alteration is classified as pathogenic.